The following is an entry in ClinVar:

NM_014989.7(RIMS1):c.4474G>T (p.Gly1492Cys)

Gene: RIMS1 (regulating synaptic membrane exocytosis 1; plus strand). Cytogenetic location: 6q13.
Variant type: single nucleotide variant.
Coding change: c.4474G>T on transcript NM_014989.7 (MANE Select); coding-DNA position 4474, G replaced by T.
Protein change: p.Gly1492Cys; replaces glycine 1492 with cysteine.
Molecular consequence: missense variant.
Genome position (GRCh38, 1-based): chr6:72,390,705, G>T. VCF-style: chr6-72390705-G-T. GRCh37 (hg19) VCF-style: chr6-73100407-G-T.
Other names: c.2002G>T, p.Gly668Cys (NM_001350445.2); c.2620G>T, p.Gly874Cys (NM_001350446.2); c.2281G>T, p.Gly761Cys (NM_001350447.2); c.2437G>T, p.Gly813Cys (NM_001350448.2); c.1828G>T, p.Gly610Cys (NM_001350449.2); c.1777G>T, p.Gly593Cys (NM_001350450.2); c.2344G>T, p.Gly782Cys (NM_001350454.2); c.1696G>T, p.Gly566Cys (NM_001350455.2); and 54 more; short protein forms G1492C, G19C, G536C, G560C, G565C, G566C, G586C, G589C.
Identifiers: ClinVar variation 4875044 (VCV004875044.2).

ClinVar aggregate classification (germline): Uncertain significance (1 of 4 stars; one submission).

Submission:

CeGaT Center for Human Genetics Tuebingen
Classification: Uncertain significance. Last evaluated: 2026-06-01. Review status: criteria provided, single submitter. Criteria: CeGaT Center For Human Genetics Tuebingen Variant Classification Criteria Version 2. Collection method: clinical testing. Allele origin: germline. Affected: yes. Observed: 1 variant allele.
Comment: RIMS1: PM2